The following is an entry in ClinVar:

ClinVar aggregate classification (germline): Conflicting classifications of pathogenicity. Review status: criteria provided, conflicting classifications (1 of 4 stars). 4 submissions from 4 submitters: Uncertain significance (3); Likely benign (1). Last evaluated 2025-05-02.

Conditions:
Charcot-Marie-Tooth disease type 2R. Also called: CHARCOT-MARIE-TOOTH NEUROPATHY, TYPE 2R; CHARCOT-MARIE-TOOTH DISEASE, AXONAL, AUTOSOMAL RECESSIVE, TYPE 2R; Charcot-Marie-Tooth disease, axonal, type 2R. Identifiers: Orphanet 397968, MedGen C3809655, MONDO:0014208, OMIM 615490.

Allele frequency attached by ClinVar (database versions not stated): ESP Exome Variant Server 0.00008; TOPMed 0.00012; gnomAD 0.00013 and 0.00015; 1000 Genomes Project 30x 0.00016; gnomAD exomes 0.00016 and 0.00025; 1000 Genomes Project 0.00020; ExAC 0.00026.
gnomAD v4.1: 274 of 1,613,610 alleles (0.017%); highest among the groups gnomAD compares: Middle Eastern, 0.54%; 2 homozygotes.

Submissions (4):

Women's Health and Genetics/Laboratory Corporation of America, LabCorp
Classification: Uncertain significance. Last evaluated: 2025-05-02. Review status: criteria provided, single submitter. Criteria: LabCorp Variant Classification Summary - May 2015. Collection method: clinical testing. Allele origin: germline.
Comment: Variant summary: TRIM2 c.2116A>G (p.Ile706Val) results in a conservative amino acid change in the encoded protein sequence. Algorithms developed to predict the effect of missense changes on protein structure and function are either unavailable or do not agree on the potential impact of this missense change. The variant allele was found at a frequency of 0.00025 in 250970 control chromosomes in the gnomAD database, including 1 homozygotes. This frequency is not significantly higher than estimated for a pathogenic variant in TRIM2 causing Charcot-Marie-Tooth disease type 2R (0.00025 vs 0.0011), allowing no conclusion about variant significance. To our knowledge, no occurrence of c.2116A>G in individuals affected with Charcot-Marie-Tooth disease type 2R and no experimental evidence demonstrating its impact on protein function have been reported. ClinVar contains an entry for this variant (Variation ID: 474608). Based on the evidence outlined above, the variant was classified as uncertain significance.

Labcorp Genetics (formerly Invitae), Labcorp
Classification: Uncertain significance for Charcot-Marie-Tooth disease type 2R. Last evaluated: 2025-01-01. Review status: criteria provided, single submitter. Criteria: Invitae Variant Classification Sherloc (09022015). Collection method: clinical testing. Allele origin: germline.
Comment: This sequence change replaces isoleucine, which is neutral and non-polar, with valine, which is neutral and non-polar, at codon 706 of the TRIM2 protein (p.Ile706Val). This variant is present in population databases (rs201921014, gnomAD 0.04%). This variant has not been reported in the literature in individuals affected with TRIM2-related conditions. ClinVar contains an entry for this variant (Variation ID: 474608). An algorithm developed to predict the effect of missense changes on protein structure and function (PolyPhen-2) suggests that this variant¬†is likely to be tolerated. In summary, the available evidence is currently insufficient to determine the role of this variant in disease. Therefore, it has been classified as a Variant of Uncertain Significance.

Ambry Genetics
Classification: Uncertain significance. Last evaluated: 2021-10-29. Review status: criteria provided, single submitter. Criteria: Ambry Variant Classification Scheme 2023. Collection method: clinical testing. Allele origin: germline.

GeneDx
Classification: Likely benign. Last evaluated: 2019-02-11. Review status: criteria provided, single submitter. Criteria: GeneDx Variant Classification Process June 2021. Collection method: clinical testing. Allele origin: germline. Affected: yes.

NM_015271.5(TRIM2):c.2197A>G (p.Ile733Val)

Gene: TRIM2 (tripartite motif containing 2; plus strand). Cytogenetic location: 4q31.3.
Variant type: single nucleotide variant.
Coding change: c.2197A>G on transcript NM_015271.5 (MANE Select); coding-DNA position 2197, A replaced by G.
Protein change: p.Ile733Val; replaces isoleucine 733 with valine.
Molecular consequence: missense variant.
Genome position (GRCh38, 1-based): chr4:153,334,847, A>G. VCF-style: chr4-153334847-A-G. GRCh37 (hg19) VCF-style: chr4-154255999-A-G.
Other names: c.2116A>G, p.Ile706Val (NM_001130067.2); c.2182A>G, p.Ile728Val (NM_001351054.2); c.2179A>G, p.Ile727Val (NM_001351055.2); c.2128A>G, p.Ile710Val (NM_001351056.2); c.1741A>G, p.Ile581Val (NM_001351057.2); c.2197A>G (NM_015271.3); short protein forms I706V, I710V, I733V, I581V, I727V, I728V.
Identifiers: ClinVar variation 474608 (VCV000474608.14), dbSNP rs201921014, ClinGen allele CA3108932.
Genomic context (GRCh38, chr4:153,334,847, plus strand): 5'-ACATTCTGACTTCCTATTTGTTTACAGGTTTTTGATGGGAGTGGATCATTTTTGTCCTAC[A>G]TTAACACATCTGCTGACCCACTCTATGGCCCCCAAGGCCTGGCCCTAACTTCAGATGGTC-3'
Protein context (NP_056086.2, residues 723-743): FDGSGSFLSY[Ile733Val]NTSADPLYGP